The following is an entry in ClinVar:

ClinVar aggregate classification (germline): Uncertain significance (1 of 4 stars; one submission).

Submission:

Dasa
Classification: Uncertain significance. Last evaluated: 2025-03-03. Review status: criteria provided, single submitter. Criteria: DASA Assertion Criteria. Collection method: clinical testing. Allele origin: germline.
Comment: NM_152713.5(STT3A):c.1574G>C (p.Trp525Ser) is a missense variant that results in the substitution of tryptophan with serine. This variant is absent from population databases. The currently available literature and clinical evidence are not sufficient to establish a definitive association between this variant and the reported condition. Therefore, this variant is classified as a variant of uncertain significance.

NM_152713.5(STT3A):c.1574G>C (p.Trp525Ser)

Gene: STT3A (STT3 oligosaccharyltransferase complex catalytic subunit A; plus strand). Cytogenetic location: 11q24.2.
Variant type: single nucleotide variant.
Coding change: c.1574G>C on transcript NM_152713.5 (MANE Select); coding-DNA position 1574, G replaced by C.
Protein change: p.Trp525Ser; replaces tryptophan 525 with serine.
Molecular consequence: missense variant.
Genome position (GRCh38, 1-based): chr11:125,614,106, G>C. VCF-style: chr11-125614106-G-C. GRCh37 (hg19) VCF-style: chr11-125484001-G-C.
Other names: c.1574G>C, p.Trp525Ser (NM_001278503.2); c.1298G>C, p.Trp433Ser (NM_001278504.2); short protein forms W433S, W525S.
Identifiers: ClinVar variation 5020989 (VCV005020989.1).